The following is an entry in ClinVar:

NM_004360.5(CDH1):c.1555C>A (p.Gln519Lys)

Gene: CDH1 (cadherin 1; plus strand). Cytogenetic location: 16q22.1.
Variant type: single nucleotide variant.
Coding change: c.1555C>A on transcript NM_004360.5 (MANE Select); coding-DNA position 1555, C replaced by A.
Protein change: p.Gln519Lys; replaces glutamine 519 with lysine.
Molecular consequence: missense variant. On other transcripts: 5 prime UTR variant (1).
Genome position (GRCh38, 1-based): chr16:68,815,749, C>A. VCF-style: chr16-68815749-C-A. GRCh37 (hg19) VCF-style: chr16-68849652-C-A.
Other names: c.1372C>A, p.Gln458Lys (NM_001317184.2); c.7C>A, p.Gln3Lys (NM_001317185.2); c.-265C>A (NM_001317186.2); short protein forms Q458K, Q519K, Q3K.
Identifiers: ClinVar variation 954165 (VCV000954165.10), dbSNP rs773763544, ClinGen allele CA8130091.

ClinVar aggregate classification (germline): Uncertain significance. Review status: criteria provided, multiple submitters, no conflicts (2 of 4 stars). 2 submissions from 2 submitters: Uncertain significance (2). Last evaluated 2025-12-05.

Conditions:
Hereditary diffuse gastric adenocarcinoma (HDGC). Also called: DIFFUSE GASTRIC AND LOBULAR BREAST CANCER SYNDROME. Identifiers: Orphanet 26106, MedGen C1708349, MONDO:0007648, OMIM 137215.
Hereditary cancer-predisposing syndrome. Also called: Hereditary neoplastic syndrome; Tumor predisposition; Neoplastic Syndromes, Hereditary; Hereditary Cancer Syndrome. Identifiers: Orphanet 140162, MedGen C0027672, MeSH D009386, MONDO:0015356.

Allele frequency attached by ClinVar (database versions not stated): gnomAD 0.00001; gnomAD exomes 0.00001 and 0.00002; ExAC 0.00002.
gnomAD v4.1: 16 of 1,614,240 alleles (0.00099%); highest among the groups gnomAD compares: South Asian, 0.016%; no homozygotes.

Submissions (2):

Ambry Genetics
Classification: Uncertain significance for Hereditary cancer-predisposing syndrome. Last evaluated: 2025-12-05. Review status: criteria provided, single submitter. Criteria: Ambry Variant Classification Scheme 2023. Collection method: clinical testing. Allele origin: germline.
Comment: The p.Q519K variant (also known as c.1555C>A), located in coding exon 10 of the CDH1 gene, results from a C to A substitution at nucleotide position 1555. The glutamine at codon 519 is replaced by lysine, an amino acid with similar properties. This amino acid position is conserved. In addition, the in silico prediction for this alteration is inconclusive. Since supporting evidence is limited at this time, the clinical significance of this alteration remains unclear.

Labcorp Genetics (formerly Invitae), Labcorp
Classification: Uncertain significance for Hereditary diffuse gastric adenocarcinoma. Last evaluated: 2023-12-27. Review status: criteria provided, single submitter. Criteria: Invitae Variant Classification Sherloc (09022015). Collection method: clinical testing. Allele origin: germline.
Comment: This sequence change replaces glutamine, which is neutral and polar, with lysine, which is basic and polar, at codon 519 of the CDH1 protein (p.Gln519Lys). This variant is present in population databases (rs773763544, gnomAD 0.01%). This variant has not been reported in the literature in individuals affected with CDH1-related conditions. ClinVar contains an entry for this variant (Variation ID: 954165). An algorithm developed to predict the effect of missense changes on protein structure and function (PolyPhen-2) suggests that this variant is likely to be disruptive. In summary, the available evidence is currently insufficient to determine the role of this variant in disease. Therefore, it has been classified as a Variant of Uncertain Significance.